The following is an entry in ClinVar:

NM_000823.4(GHRHR):c.1146+4T>A

Gene: GHRHR (growth hormone releasing hormone receptor; plus strand). Cytogenetic location: 7p14.3.
Variant type: single nucleotide variant.
Coding change: c.1146+4T>A on transcript NM_000823.4 (MANE Select); 4 bases into the intron after coding-DNA position 1146, T replaced by A.
Molecular consequence: intron variant.
Genome position (GRCh38, 1-based): chr7:30,977,326, T>A. VCF-style: chr7-30977326-T-A. GRCh37 (hg19) VCF-style: chr7-31016941-T-A.
Identifiers: ClinVar variation 2197019 (VCV002197019.4), dbSNP rs368440035, ClinGen allele CA4208812.

ClinVar aggregate classification (germline): Uncertain significance. Review status: criteria provided, multiple submitters, no conflicts (2 of 4 stars). 2 submissions from 2 submitters: Uncertain significance (2). Last evaluated 2024-09-09.

Allele frequency attached by ClinVar (database versions not stated): gnomAD 0.00001; TOPMed 0.00002; gnomAD exomes 0.00003; ExAC 0.00008; ESP Exome Variant Server 0.00008.
gnomAD v4.1: 50 of 1,613,458 alleles (0.0031%); highest among the groups gnomAD compares: Non-Finnish European, 0.004%; no homozygotes.

Submissions (2):

Women's Health and Genetics/Laboratory Corporation of America, LabCorp
Classification: Uncertain significance. Last evaluated: 2024-09-09. Review status: criteria provided, single submitter. Criteria: LabCorp Variant Classification Summary - May 2015. Collection method: clinical testing. Allele origin: germline.
Comment: Variant summary: GHRHR c.1146+4T>A alters a conserved nucleotide located close to a canonical splice site and therefore could affect mRNA splicing, leading to a significantly altered protein sequence. Consensus agreement among computation tools predict no significant impact on normal splicing. However, these predictions have yet to be confirmed by functional studies. The variant allele was found at a frequency of 5.6e-05 in 251494 control chromosomes. This frequency is not significantly higher than estimated for a pathogenic variant in GHRHR causing Isolated growth hormone deficiency, type 4, allowing no conclusion about variant significance. To our knowledge, no occurrence of c.1146+4T>A in individuals affected with Isolated growth hormone deficiency, type 4 and no experimental evidence demonstrating its impact on protein function have been reported. ClinVar contains an entry for this variant (Variation ID: 2197019). Based on the evidence outlined above, the variant was classified as uncertain significance.

Labcorp Genetics (formerly Invitae), Labcorp
Classification: Uncertain significance. Last evaluated: 2022-10-17. Review status: criteria provided, single submitter. Criteria: Invitae Variant Classification Sherloc (09022015). Collection method: clinical testing. Allele origin: germline.
Comment: This sequence change falls in intron 12 of the GHRHR gene. It does not directly change the encoded amino acid sequence of the GHRHR protein. It affects a nucleotide within the consensus splice site. This variant is present in population databases (rs368440035, gnomAD 0.01%). This variant has not been reported in the literature in individuals affected with GHRHR-related conditions. Variants that disrupt the consensus splice site are a relatively common cause of aberrant splicing (PMID: 17576681, 9536098). Algorithms developed to predict the effect of sequence changes on RNA splicing suggest that this variant is not likely to affect RNA splicing. In summary, the available evidence is currently insufficient to determine the role of this variant in disease. Therefore, it has been classified as a Variant of Uncertain Significance.

Literature cited by the submitters: PubMed 17576681 (cited by Labcorp Genetics (formerly Invitae), Labcorp); PubMed 9536098 (cited by Labcorp Genetics (formerly Invitae), Labcorp).